The following is an entry in ClinVar:

NM_013275.6(ANKRD11):c.4370_4371del (p.Lys1457fs)

Gene: ANKRD11 (ankyrin repeat domain 11; minus strand). Cytogenetic location: 16q24.3.
Variant type: Deletion.
Coding change: c.4370_4371del on transcript NM_013275.6 (MANE Select); coding-DNA positions 4370 to 4371, 2 bases deleted (AA; older notation c.4370_4371delAA).
Protein change: p.Lys1457fs; shifts the reading frame from lysine 1457.
Molecular consequence: frameshift variant.
Genome position (GRCh38, 1-based): chr16:89,282,171-89,282,172, TT deleted on the plus strand (AA on the coding strand, the reverse complement: ANKRD11 is on the minus strand); deleting any 2 consecutive bases within chr16:89,282,171-89,282,174 gives the same sequence; the c. name uses the placement nearest the transcript's 3' end. VCF-style (leftmost placement, unchanged base first): chr16-89282170-CTT-C. GRCh37 (hg19) VCF-style: chr16-89348578-CTT-C.
Other names: c.4370_4371del (NM_013275.5); c.4370_4371del, p.Lys1457fs (NM_001256182.2, NM_001256183.2); c.4370_4371delAA (NM_013275.5); short protein forms K1457fs.
Identifiers: ClinVar variation 1698771 (VCV001698771.3), dbSNP rs2151750249, ClinGen allele CA1139771394.

ClinVar aggregate classification (germline): Pathogenic. Review status: criteria provided, multiple submitters, no conflicts (2 of 4 stars). 2 submissions from 2 submitters: Pathogenic (2). Last evaluated 2022-12-18.

Conditions:
KBG syndrome (KBGS). Also called: ANKRD11-Related KBG Syndrome. Identifiers: Orphanet 2332, MedGen C0220687, MONDO:0007846, OMIM 148050.

Submissions (2):

GeneDx
Classification: Pathogenic. Last evaluated: 2022-12-18. Review status: criteria provided, single submitter. Criteria: GeneDx Variant Classification Process June 2021. Collection method: clinical testing. Allele origin: germline. Affected: yes.
Comment: Frameshift variant predicted to result in protein truncation or nonsense mediated decay in a gene for which loss of function is a known mechanism of disease; Not observed at significant frequency in large population cohorts (gnomAD); Has not been previously published as pathogenic or benign to our knowledge

Genetics and Molecular Pathology, SA Pathology
Classification: Pathogenic for KBG syndrome. Last evaluated: 2021-05-27. Review status: criteria provided, single submitter. Criteria: ACMG Guidelines, 2015. Collection method: clinical testing. Allele origin: germline. Inheritance: Autosomal dominant inheritance. Affected: yes.
Comment: The ANKRD11 c.4370_4371delAA variant is classified as PATHOGENIC (PM2, PS2, PVS1_strong) This ANKRD11 c.4370_4371delAA variant is located in exon 9 and is predicted to cause a shift in the reading frame at codon 1457 (PVS1_strong). This variant has not been reported in dbSNP and is absent from population databases (PM2). It has not been reported in the ClinVar or HGMD disease databases.